The following is an entry in ClinVar:

NM_001111.5(ADAR):c.691G>A (p.Asp231Asn)

Gene: ADAR (adenosine deaminase RNA specific; minus strand). Cytogenetic location: 1q21.3.
Variant type: single nucleotide variant.
Coding change: c.691G>A on transcript NM_001111.5 (MANE Select); coding-DNA position 691, G replaced by A.
Protein change: p.Asp231Asn; replaces aspartic acid 231 with asparagine.
Molecular consequence: missense variant. On other transcripts: 5 prime UTR variant (6).
Genome position (GRCh38, 1-based): chr1:154,601,951, C>T on the plus strand (G>A on the coding strand, the complement: ADAR is on the minus strand). VCF-style: chr1-154601951-C-T. GRCh37 (hg19) VCF-style: chr1-154574427-C-T.
Other names: c.-195G>A (NM_001025107.3, NM_001193495.2, NM_001365046.1 and 3 more transcripts); c.718G>A, p.Asp240Asn (NM_001365045.1); c.691G>A, p.Asp231Asn (NM_015840.4, NM_015841.4); short protein forms D240N, D231N.
Identifiers: ClinVar variation 1424112 (VCV001424112.6), dbSNP rs772751856, ClinGen allele CA1131652.

ClinVar aggregate classification (germline): Uncertain significance (1 of 4 stars; one submission).

Conditions:
Symmetrical dyschromatosis of extremities (DSH). Also called: RETICULATE ACROPIGMENTATION OF DOHI; SYMMETRIC DYSCHROMATOSIS OF THE EXTREMITIES; Dyschromatosis symmetrica hereditaria; DYSCHROMATOSIS SYMMETRICA HEREDITARIA 1. Identifiers: Orphanet 41, MedGen C0406775, MONDO:0007483, OMIM 127400.
Aicardi-Goutieres syndrome 6 (AGS6). Identifiers: Orphanet 51, MedGen C3539013, MONDO:0014007, OMIM 615010.

Allele frequency attached by ClinVar (database versions not stated): ExAC 0.00004; TOPMed 0.00001; gnomAD exomes 0.00003 and 0.00002; gnomAD 0.00001.
gnomAD v4.1: 13 of 1,613,926 alleles (0.00081%); highest among the groups gnomAD compares: Non-Finnish European, 0.001%; no homozygotes.

Submission:

Labcorp Genetics (formerly Invitae), Labcorp
Classification: Uncertain significance for Aicardi-Goutieres syndrome 6; Symmetrical dyschromatosis of extremities. Last evaluated: 2026-02-02. Review status: criteria provided, single submitter. Criteria: Invitae Variant Classification Sherloc (09022015). Collection method: clinical testing. Allele origin: germline.
Comment: This sequence change replaces aspartic acid, which is acidic and polar, with asparagine, which is neutral and polar, at codon 231 of the ADAR protein (p.Asp231Asn). This variant is present in population databases (rs772751856, gnomAD 0.006%). This variant has not been reported in the literature in individuals affected with ADAR-related conditions. ClinVar contains an entry for this variant (Variation ID: 1424112). Experimental studies and prediction algorithms are not available or were not evaluated, and the functional significance of this variant is currently unknown. In summary, the available evidence is currently insufficient to determine the role of this variant in disease. Therefore, it has been classified as a Variant of Uncertain Significance.